The following is an entry in ClinVar:

NM_139343.3(BIN1):c.901G>T (p.Asp301Tyr)

Gene: BIN1 (bridging integrator 1; minus strand). Cytogenetic location: 2q14.3.
Variant type: single nucleotide variant.
Coding change: c.901G>T on transcript NM_139343.3 (MANE Select); coding-DNA position 901, G replaced by T.
Protein change: p.Asp301Tyr; replaces aspartic acid 301 with tyrosine.
Molecular consequence: missense variant.
Genome position (GRCh38, 1-based): chr2:127,059,112, C>A on the plus strand (G>T on the coding strand, the complement: BIN1 is on the minus strand). VCF-style: chr2-127059112-C-A. GRCh37 (hg19) VCF-style: chr2-127816688-C-A.
Other names: c.853G>T, p.Asp285Tyr (NM_001320632.2, NM_004305.4, NM_139346.3); c.901G>T, p.Asp301Tyr (NM_001320633.2, NM_001320640.2, NM_139344.3 and 1 more transcripts); c.736G>T, p.Asp246Tyr (NM_001320634.1); c.808G>T, p.Asp270Tyr (NM_001320641.2, NM_139347.3, NM_139348.3 and 3 more transcripts); c.820G>T, p.Asp274Tyr (NM_001320642.1); short protein forms D246Y, D274Y, D285Y, D270Y, D301Y.
Identifiers: ClinVar variation 857007 (VCV000857007.7), dbSNP rs1462533329, ClinGen allele CA348379780.

ClinVar aggregate classification (germline): Uncertain significance (1 of 4 stars; one submission).

Conditions:
Myopathy, centronuclear, 2 (CNM2). Also called: MYOTUBULAR MYOPATHY, AUTOSOMAL RECESSIVE. Identifiers: Orphanet 169186, MedGen CN031787, MONDO:0009709, OMIM 255200.

Allele frequency attached by ClinVar (database versions not stated): TOPMed 0.00001; gnomAD exomes below 0.00001.
gnomAD v4.1: 2 of 1,594,206 alleles (0.00013%); no homozygotes.

Submission:

Labcorp Genetics (formerly Invitae), Labcorp
Classification: Uncertain significance for Myopathy, centronuclear, 2. Last evaluated: 2025-06-10. Review status: criteria provided, single submitter. Criteria: Invitae Variant Classification Sherloc (09022015). Collection method: clinical testing. Allele origin: germline.
Comment: This sequence change replaces aspartic acid, which is acidic and polar, with tyrosine, which is neutral and polar, at codon 301 of the BIN1 protein (p.Asp301Tyr). This variant is not present in population databases (gnomAD no frequency). This variant has not been reported in the literature in individuals affected with BIN1-related conditions. ClinVar contains an entry for this variant (Variation ID: 857007). Invitae Evidence Modeling of protein sequence and biophysical properties (such as structural, functional, and spatial information, amino acid conservation, physicochemical variation, residue mobility, and thermodynamic stability) indicates that this missense variant is not expected to disrupt BIN1 protein function with a negative predictive value of 80%. In summary, the available evidence is currently insufficient to determine the role of this variant in disease. Therefore, it has been classified as a Variant of Uncertain Significance.